The following is an entry in ClinVar:

ClinVar aggregate classification (germline): Uncertain significance. Review status: criteria provided, multiple submitters, no conflicts (2 of 4 stars). 2 submissions from 2 submitters: Uncertain significance (2). Last evaluated 2025-09-01.

Allele frequency attached by ClinVar (database versions not stated): gnomAD exomes below 0.00001; gnomAD 0.00002; TOPMed 0.00002.
gnomAD v4.1: 7 of 1,613,818 alleles (0.00043%); highest among the groups gnomAD compares: African/African-American, 0.0027%; no homozygotes.

Submissions (2):

GeneDx
Classification: Uncertain significance. Last evaluated: 2025-09-01. Review status: criteria provided, single submitter. Criteria: GeneDx Variant Classification Process June 2021. Collection method: clinical testing. Allele origin: germline. Affected: yes.
Comment: Not observed at significant frequency in large population cohorts (gnomAD); In silico analysis suggests this variant may impact gene splicing. In the absence of RNA/functional studies, the actual effect of this sequence change is unknown.; Has not been previously published as pathogenic or benign to our knowledge

Labcorp Genetics (formerly Invitae), Labcorp
Classification: Uncertain significance. Last evaluated: 2024-03-07. Review status: criteria provided, single submitter. Criteria: Invitae Variant Classification Sherloc (09022015). Collection method: clinical testing. Allele origin: germline.
Comment: This sequence change falls in intron 11 of the SPEG gene. It does not directly change the encoded amino acid sequence of the SPEG protein. It affects a nucleotide within the consensus splice site. This variant is present in population databases (no rsID available, gnomAD 0.01%). This variant has not been reported in the literature in individuals affected with SPEG-related conditions. ClinVar contains an entry for this variant (Variation ID: 1471768). Variants that disrupt the consensus splice site are a relatively common cause of aberrant splicing (PMID: 17576681, 9536098). Algorithms developed to predict the effect of sequence changes on RNA splicing suggest that this variant may disrupt the consensus splice site. In summary, the available evidence is currently insufficient to determine the role of this variant in disease. Therefore, it has been classified as a Variant of Uncertain Significance.

Literature cited by the submitters: PubMed 17576681 (cited by Labcorp Genetics (formerly Invitae), Labcorp); PubMed 9536098 (cited by Labcorp Genetics (formerly Invitae), Labcorp).

NM_005876.5(SPEG):c.3301+5G>A

Gene: SPEG (striated muscle enriched protein kinase; plus strand). Cytogenetic location: 2q35.
Variant type: single nucleotide variant.
Coding change: c.3301+5G>A on transcript NM_005876.5 (MANE Select); 5 bases into the intron after coding-DNA position 3301, G replaced by A.
Molecular consequence: intron variant.
Genome position (GRCh38, 1-based): chr2:219,468,741, G>A. VCF-style: chr2-219468741-G-A. GRCh37 (hg19) VCF-style: chr2-220333463-G-A.
Identifiers: ClinVar variation 1471768 (VCV001471768.7), dbSNP rs1012833572, ClinGen allele CA66017523.